The following is an entry in ClinVar:

NM_000455.5(STK11):c.1205C>G (p.Thr402Ser)

Gene: STK11 (serine/threonine kinase 11; plus strand). Cytogenetic location: 19p13.3.
Variant type: single nucleotide variant.
Coding change: c.1205C>G on transcript NM_000455.5 (MANE Select); coding-DNA position 1205, C replaced by G.
Protein change: p.Thr402Ser; replaces threonine 402 with serine.
Molecular consequence: missense variant.
Genome position (GRCh38, 1-based): chr19:1,226,550, C>G. VCF-style: chr19-1226550-C-G. GRCh37 (hg19) VCF-style: chr19-1226549-C-G.
Other names: short protein forms T402S.
Identifiers: ClinVar variation 403787 (VCV000403787.20), dbSNP rs750055790, ClinGen allele CA045929.

ClinVar aggregate classification (germline): Conflicting classifications of pathogenicity. Review status: criteria provided, conflicting classifications (1 of 4 stars). 4 submissions from 4 submitters: Uncertain significance (3); Likely benign (1). Last evaluated 2026-05-18.

Conditions:
Hereditary cancer-predisposing syndrome. Also called: Hereditary Cancer Syndrome; Tumor predisposition; Hereditary neoplastic syndrome; Neoplastic Syndromes, Hereditary. Identifiers: Orphanet 140162, MedGen C0027672, MeSH D009386, MONDO:0015356.
Peutz-Jeghers syndrome (PJS). Also called: POLYPOSIS, HAMARTOMATOUS INTESTINAL; POLYPS-AND-SPOTS SYNDROME; Peutz-Jeghers polyposis; Periorificial lentiginosis syndrome. Identifiers: Orphanet 2869, MedGen C0031269, MeSH D010580, MONDO:0008280, OMIM 175200.

Allele frequency attached by ClinVar (database versions not stated): ExAC 0.00002; TOPMed 0.00001.

Submissions (4):

Ambry Genetics
Classification: Likely benign for Hereditary cancer-predisposing syndrome. Last evaluated: 2026-05-18. Review status: criteria provided, single submitter. Criteria: Ambry Variant Classification Scheme 2023. Collection method: clinical testing. Allele origin: germline.

Labcorp Genetics (formerly Invitae), Labcorp
Classification: Uncertain significance for Peutz-Jeghers syndrome. Last evaluated: 2025-03-05. Review status: criteria provided, single submitter. Criteria: Invitae Variant Classification Sherloc (09022015). Collection method: clinical testing. Allele origin: germline.
Comment: This sequence change replaces threonine, which is neutral and polar, with serine, which is neutral and polar, at codon 402 of the STK11 protein (p.Thr402Ser). This variant is not present in population databases (gnomAD no frequency). This variant has not been reported in the literature in individuals affected with STK11-related conditions. ClinVar contains an entry for this variant (Variation ID: 403787). Invitae Evidence Modeling of protein sequence and biophysical properties (such as structural, functional, and spatial information, amino acid conservation, physicochemical variation, residue mobility, and thermodynamic stability) indicates that this missense variant is not expected to disrupt STK11 protein function with a negative predictive value of 95%. In summary, the available evidence is currently insufficient to determine the role of this variant in disease. Therefore, it has been classified as a Variant of Uncertain Significance.

Genome-Nilou Lab
Classification: Uncertain significance for Peutz-Jeghers syndrome. Last evaluated: 2021-07-15. Review status: criteria provided, single submitter. Criteria: ACMG Guidelines, 2015. Collection method: clinical testing. Allele origin: germline. Affected: no.

Women's Health and Genetics/Laboratory Corporation of America, LabCorp
Classification: Uncertain significance. Last evaluated: 2021-04-25. Review status: criteria provided, single submitter. Criteria: LabCorp Variant Classification Summary - May 2015. Collection method: clinical testing. Allele origin: germline.
Comment: Variant summary: STK11 c.1205C>G (p.Thr402Ser) results in a conservative amino acid change in the encoded protein sequence. Five of five in-silico tools predict a benign effect of the variant on protein function. The variant was absent in 222832 control chromosomes. The available data on variant occurrences in the general population are insufficient to allow any conclusion about variant significance. To our knowledge, no occurrence of c.1205C>G in individuals affected with Peutz-Jeghers Syndrome and no experimental evidence demonstrating its impact on protein function have been reported. One clinical diagnostic laboratory has submitted clinical-significance assessments for this variant to ClinVar after 2014 without evidence for independent evaluation and classified the variant as uncertain significance. Based on the evidence outlined above, the variant was classified as uncertain significance.